The following is an entry in ClinVar:

ClinVar aggregate classification (germline): Conflicting classifications of pathogenicity. Review status: criteria provided, conflicting classifications (1 of 4 stars). 4 submissions from 4 submitters: Uncertain significance (1); Likely benign (1). 2 of the submissions do not count toward it. Last evaluated 2026-01-12.

Conditions:
TCIRG1-related disorder. Also called: TCIRG1-related condition.
Autosomal recessive osteopetrosis 1. Also called: TCIRG1-Related Autosomal Recessive Osteopetrosis; ALBERS-SCHONBERG DISEASE, AUTOSOMAL RECESSIVE; TCIRG1-Related Osteopetrosis. Identifiers: Orphanet 667, MedGen C1850127, MONDO:0009815, OMIM 259700.

Allele frequency attached by ClinVar (database versions not stated): gnomAD 0.00009 and 0.00010; TOPMed 0.00010; ExAC 0.00012; gnomAD exomes 0.00012 and 0.00024; ESP Exome Variant Server 0.00015.
gnomAD v4.1: 365 of 1,613,854 alleles (0.023%); highest among the groups gnomAD compares: Non-Finnish European, 0.029%; no homozygotes.

Submissions (4):

Labcorp Genetics (formerly Invitae), Labcorp
Classification: Likely benign. Last evaluated: 2026-01-12. Review status: criteria provided, single submitter. Criteria: Invitae Variant Classification Sherloc (09022015). Collection method: clinical testing. Allele origin: germline.

GeneDx
Classification: Uncertain significance. Last evaluated: 2024-12-19. Review status: criteria provided, single submitter. Criteria: GeneDx Variant Classification Process June 2021. Collection method: clinical testing. Allele origin: germline. Affected: yes.
Comment: Observed in a control cohort from an autism and cancer risk study, but no clinical information was provided (PMID: 26934580); In silico analysis suggests this variant may impact gene splicing; in the absence of RNA/functional studies, the actual effect of this sequence change is unknown; This variant is associated with the following publications: (PMID: 26934580)

PreventionGenetics, part of Exact Sciences
Classification: Uncertain significance for TCIRG1-related condition. Last evaluated: 2024-05-03. Review status: no assertion criteria provided. Collection method: clinical testing. Allele origin: germline. Not counted in ClinVar's aggregate classification.
Comment: The TCIRG1 c.1269G>A is a noncoding alteration. To our knowledge, this variant has not been reported in the literature. This variant is reported in 0.023% of alleles in individuals of European (Non-Finnish) descent in gnomAD. At this time, the clinical significance of this variant is uncertain due to the absence of conclusive functional and genetic evidence.

Natera, Inc.
Classification: Uncertain significance for Infantile malignant osteopetrosis. Last evaluated: 2020-04-15. Review status: no assertion criteria provided. Collection method: clinical testing. Allele origin: germline. Not counted in ClinVar's aggregate classification.

NM_006019.4(TCIRG1):c.1269G>A (p.Ala423=)

Gene: TCIRG1 (T cell immune regulator 1, ATPase H+ transporting V0 subunit a3; plus strand). Cytogenetic location: 11q13.2.
Variant type: single nucleotide variant.
Coding change: c.1269G>A on transcript NM_006019.4 (MANE Select); coding-DNA position 1269, G replaced by A.
Protein change: p.Ala423=; no amino-acid change (alanine 423 retained).
Molecular consequence: synonymous variant.
Genome position (GRCh38, 1-based): chr11:68,047,536, G>A. VCF-style: chr11-68047536-G-A. GRCh37 (hg19) VCF-style: chr11-67815003-G-A.
Other names: c.375G>A, p.Ala125= (NM_001351059.2); c.621G>A, p.Ala207= (NM_006053.4).
Identifiers: ClinVar variation 730193 (VCV000730193.13), dbSNP rs147119709, ClinGen allele CA6147036.
Genomic context (GRCh38, chr11:68,047,536, plus strand): 5'-GTTCGGGGATGTGGGCCACGGGCTGCTCATGTTCCTGTTCGCCCTGGCCATGGTCCTTGC[G>A]GAGAACCGACCGGCTGTGAAGGCCGCGCAGAACGAGGTGAGGGGCGGGGCTGGGGTCCTG-3'
Protein context (NP_006010.2, residues 413-433): MFLFALAMVL[Ala423=]ENRPAVKAAQ